The following is an entry in ClinVar:

ClinVar aggregate classification (germline): Uncertain significance (1 of 4 stars; one submission).

Submission:

GeneDx
Classification: Uncertain significance. Last evaluated: 2025-03-24. Review status: criteria provided, single submitter. Criteria: GeneDx Variant Classification Process June 2021. Collection method: clinical testing. Allele origin: germline. Affected: yes.
Comment: Not observed at significant frequency in large population cohorts (gnomAD); In silico analysis indicates that this missense variant does not alter protein structure/function; Has not been previously published as pathogenic or benign to our knowledge

NM_005359.6(SMAD4):c.37A>C (p.Asn13His)

Gene: SMAD4 (SMAD family member 4; plus strand). Cytogenetic location: 18q21.2.
Variant type: single nucleotide variant.
Coding change: c.37A>C on transcript NM_005359.6 (MANE Select); coding-DNA position 37, A replaced by C.
Protein change: p.Asn13His; replaces asparagine 13 with histidine.
Molecular consequence: missense variant. On other transcripts: non-coding transcript variant (2).
Genome position (GRCh38, 1-based): chr18:51,047,083, A>C. VCF-style: chr18-51047083-A-C. GRCh37 (hg19) VCF-style: chr18-48573453-A-C.
Other names: c.37A>C, p.Asn13His (NM_001407041.1, NM_001407042.1, NM_001407043.1); short protein forms N13H.
Identifiers: ClinVar variation 4087879 (VCV004087879.1).